The following is an entry in ClinVar:

ClinVar aggregate classification (germline): Likely benign (1 of 4 stars; one submission).

Conditions:
Pheochromocytoma/paraganglioma syndrome 5. Also called: Paragangliomas 5; SDHA-Related Hereditary Paraganglioma-Pheochromocytoma Syndrome. Identifiers: Orphanet 29072, MedGen C3279992, MONDO:0013602, OMIM 614165.

Submission:

Myriad Genetics, Inc.
Classification: Likely benign for Pheochromocytoma/paraganglioma syndrome 5. Last evaluated: 2025-03-03. Review status: criteria provided, single submitter. Criteria: Myriad Autosomal Dominant, Autosomal Recessive and X-Linked Classification Criteria (2023). Collection method: clinical testing. Allele origin: unknown.
Comment: This variant is considered likely benign. This variant is intronic and is not expected to impact mRNA splicing.

NM_004168.4(SDHA):c.622-15T>C

Gene: SDHA (succinate dehydrogenase complex flavoprotein subunit A; plus strand). Cytogenetic location: 5p15.33.
Variant type: single nucleotide variant.
Coding change: c.622-15T>C on transcript NM_004168.4 (MANE Select); 15 bases into the intron before coding-DNA position 622, T replaced by C.
Molecular consequence: intron variant.
Genome position (GRCh38, 1-based): chr5:228,170, T>C. VCF-style: chr5-228170-T-C. GRCh37 (hg19) VCF-style: chr5-228285-T-C.
Other names: c.622-15T>C (NM_001330758.2); c.478-15T>C (NM_001294332.2).
Identifiers: ClinVar variation 3904563 (VCV003904563.1).